The following is an entry in ClinVar:

NM_004304.5(ALK):c.3085C>G (p.Pro1029Ala)

Gene: ALK (ALK receptor tyrosine kinase; minus strand). Cytogenetic location: 2p23.2.
Variant type: single nucleotide variant.
Coding change: c.3085C>G on transcript NM_004304.5 (MANE Select); coding-DNA position 3085, C replaced by G.
Protein change: p.Pro1029Ala; replaces proline 1029 with alanine.
Molecular consequence: missense variant.
Genome position (GRCh38, 1-based): chr2:29,225,548, G>C on the plus strand (C>G on the coding strand, the complement: ALK is on the minus strand). VCF-style: chr2-29225548-G-C. GRCh37 (hg19) VCF-style: chr2-29448414-G-C.
Other names: short protein forms P1029A.
Identifiers: ClinVar variation 335697 (VCV000335697.16), dbSNP rs543328121, ClinGen allele CA1594084.

ClinVar aggregate classification (germline): Likely benign. Review status: criteria provided, multiple submitters, no conflicts (2 of 4 stars). 4 submissions from 4 submitters: Likely benign (4). Last evaluated 2025-12-21.

Conditions:
Hereditary cancer-predisposing syndrome. Also called: Tumor predisposition; Hereditary Cancer Syndrome; Neoplastic Syndromes, Hereditary; Hereditary neoplastic syndrome. Identifiers: Orphanet 140162, MedGen C0027672, MeSH D009386, MONDO:0015356.
Neuroblastoma, susceptibility to, 3. Also called: ALK-Related Neuroblastic Tumor Susceptibility. Identifiers: Orphanet 635, MedGen C2751681, MONDO:0013083, OMIM 613014.

Allele frequency attached by ClinVar (database versions not stated): TOPMed 0.00001; gnomAD exomes 0.00018; ExAC 0.00025; 1000 Genomes Project 0.00040; 1000 Genomes Project 30x 0.00062.

Submissions (4):

Labcorp Genetics (formerly Invitae), Labcorp
Classification: Likely benign for Neuroblastoma, susceptibility to, 3. Last evaluated: 2025-12-21. Review status: criteria provided, single submitter. Criteria: Invitae Variant Classification Sherloc (09022015). Collection method: clinical testing. Allele origin: germline.

Ambry Genetics
Classification: Likely benign for Hereditary cancer-predisposing syndrome. Last evaluated: 2022-01-18. Review status: criteria provided, single submitter. Criteria: Ambry Variant Classification Scheme 2023. Collection method: clinical testing. Allele origin: germline.

Sema4
Classification: Likely benign for Hereditary cancer-predisposing syndrome. Last evaluated: 2021-10-22. Review status: criteria provided, single submitter. Criteria: Sema4 Curation Guidelines. Collection method: curation. Allele origin: germline.

Illumina Laboratory Services, Illumina
Classification: Likely benign for Neuroblastoma, susceptibility to, 3. Last evaluated: 2018-01-13. Review status: criteria provided, single submitter. Criteria: ICSL Variant Classification Criteria 13 December 2019. Collection method: clinical testing. Allele origin: germline.
Comment: This variant was observed in the ICSL laboratory as part of a predisposition screen in an ostensibly healthy population. It had not been previously curated by ICSL or reported in the Human Gene Mutation Database (HGMD: prior to June 1st, 2018), and was therefore a candidate for classification through an automated scoring system. Utilizing variant allele frequency, disease prevalence and penetrance estimates, and inheritance mode, an automated score was calculated to assess if this variant is too frequent to cause the disease. Based on the score and internal cut-off values, a variant classified as likely benign is not then subjected to further curation. The score for this variant resulted in a classification of likely benign for this disease.